The following is an entry in ClinVar:

ClinVar aggregate classification (germline): Benign/Likely benign. Review status: criteria provided, multiple submitters, no conflicts (2 of 4 stars). 7 submissions from 7 submitters: Benign (1); Likely benign (3). 3 of the submissions do not count toward it. Last evaluated 2026-01-25.

Conditions:
CARMIL2-related disorder. Also called: CARMIL2-related condition.

Allele frequency attached by ClinVar (database versions not stated): 1000 Genomes Project 0.00100; 1000 Genomes Project 30x 0.00109; TOPMed 0.00111; gnomAD exomes 0.00135 and 0.00207; gnomAD 0.00137; ESP Exome Variant Server 0.00156; ExAC 0.00162.
gnomAD v4.1: 3,217 of 1,613,568 alleles (0.2%); highest among the groups gnomAD compares: Non-Finnish European, 0.23%; 9 homozygotes.

Submissions (7):

Labcorp Genetics (formerly Invitae), Labcorp
Classification: Benign. Last evaluated: 2026-01-25. Review status: criteria provided, single submitter. Criteria: Invitae Variant Classification Sherloc (09022015). Collection method: clinical testing. Allele origin: germline.

CeGaT Center for Human Genetics Tuebingen
Classification: Likely benign. Last evaluated: 2025-10-01. Review status: criteria provided, single submitter. Criteria: CeGaT Center For Human Genetics Tuebingen Variant Classification Criteria Version 2. Collection method: clinical testing. Allele origin: germline. Affected: yes. Observed: 5 variant alleles.
Comment: CARMIL2: BP4, BP7

Blueprint Genetics
Classification: Likely benign. Last evaluated: 2024-10-28. Review status: criteria provided, single submitter. Criteria: ACMG Guidelines, 2015. Collection method: clinical testing. Allele origin: germline.

Breakthrough Genomics
Classification: Likely benign. Review status: criteria provided, single submitter. Criteria: ACMG Guidelines, 2015. Collection method: not provided. Allele origin: germline. Inheritance: Autosomal recessive inheritance. Affected: yes.

PreventionGenetics, part of Exact Sciences
Classification: Likely benign for CARMIL2-related condition. Last evaluated: 2019-05-13. Review status: no assertion criteria provided. Collection method: clinical testing. Allele origin: germline. Not counted in ClinVar's aggregate classification.
Comment: This variant is classified as likely benign based on ACMG/AMP sequence variant interpretation guidelines (Richards et al. 2015 PMID: 25741868, with internal and published modifications).

Clinical Genetics DNA and cytogenetics Diagnostics Lab, Erasmus MC, Erasmus Medical Center
Classification: Likely benign. Review status: no assertion criteria provided. Collection method: clinical testing. Allele origin: germline. Affected: yes. Study: VKGL Data-share Consensus. Not counted in ClinVar's aggregate classification.

Genome Diagnostics Laboratory, University Medical Center Utrecht
Classification: Likely benign. Review status: no assertion criteria provided. Collection method: clinical testing. Allele origin: germline. Affected: yes. Study: VKGL Data-share Consensus. Not counted in ClinVar's aggregate classification.

NM_001013838.3(CARMIL2):c.2286C>T (p.Ala762=)

Gene: CARMIL2 (capping protein regulator and myosin 1 linker 2; plus strand). Cytogenetic location: 16q22.1.
Variant type: single nucleotide variant.
Coding change: c.2286C>T on transcript NM_001013838.3 (MANE Select); coding-DNA position 2286, C replaced by T.
Protein change: p.Ala762=; no amino-acid change (alanine 762 retained).
Molecular consequence: synonymous variant.
Genome position (GRCh38, 1-based): chr16:67,651,288, C>T. VCF-style: chr16-67651288-C-T. GRCh37 (hg19) VCF-style: chr16-67685191-C-T.
Other names: c.2178C>T, p.Ala726= (NM_001317026.3); c.2286C>T (NM_001013838.1).
Identifiers: ClinVar variation 1164705 (VCV001164705.46), dbSNP rs201745158, ClinGen allele CA8113738.
Genomic context (GRCh38, chr16:67,651,288, plus strand): 5'-GCTGCTGGGCTGTGGGGCTGGGCCCCAGGGTGAAGCCGCTGTGCGCCAGGCCGAGGATGC[C>T]ATCCAAAATGCCAACTTCTCTCTCAGCGTGAGCACTCCCCCTCCTGCTACAAGGACCCTT-3'
Protein context (NP_001013860.1, residues 752-772): GEAAVRQAED[Ala762=]IQNANFSLSI